The following is an entry in ClinVar:

NM_014712.3(SETD1A):c.1943C>G (p.Pro648Arg)

Gene: SETD1A (SET domain containing 1A, histone lysine methyltransferase; plus strand). Cytogenetic location: 16p11.2.
Variant type: single nucleotide variant.
Coding change: c.1943C>G on transcript NM_014712.3 (MANE Select); coding-DNA position 1943, C replaced by G.
Protein change: p.Pro648Arg; replaces proline 648 with arginine.
Molecular consequence: missense variant.
Genome position (GRCh38, 1-based): chr16:30,965,824, C>G. VCF-style: chr16-30965824-C-G. GRCh37 (hg19) VCF-style: chr16-30977145-C-G.
Other names: short protein forms P648R.
Identifiers: ClinVar variation 1683976 (VCV001683976.2), dbSNP rs745545553, ClinGen allele CA8016813.

ClinVar aggregate classification (germline): Uncertain significance (1 of 4 stars; one submission).

Submission:

GeneDx
Classification: Uncertain significance. Last evaluated: 2022-04-25. Review status: criteria provided, single submitter. Criteria: GeneDx Variant Classification Process June 2021. Collection method: clinical testing. Allele origin: germline. Affected: yes.
Comment: Not observed at significant frequency in large population cohorts (gnomAD); In silico analysis supports that this missense variant has a deleterious effect on protein structure/function; Has not been previously published as pathogenic or benign to our knowledge